The following is an entry in ClinVar:

NM_001927.4(DES):c.1245-214C>G

Gene: DES (desmin; plus strand). Cytogenetic location: 2q35.
Variant type: single nucleotide variant.
Coding change: c.1245-214C>G on transcript NM_001927.4 (MANE Select); 214 bases into the intron before coding-DNA position 1245, C replaced by G.
Molecular consequence: intron variant.
Genome position (GRCh38, 1-based): chr2:219,423,563, C>G. VCF-style: chr2-219423563-C-G. GRCh37 (hg19) VCF-style: chr2-220288285-C-G.
Identifiers: ClinVar variation 674651 (VCV000674651.1), dbSNP rs148363532, ClinGen allele CA65985241.

ClinVar aggregate classification (germline): Likely benign (1 of 4 stars; one submission).

Allele frequency attached by ClinVar (database versions not stated): 1000 Genomes Project 0.01238; 1000 Genomes Project 30x 0.01249; gnomAD 0.01424 and 0.01517; TOPMed 0.01489.

Submission:

GeneDx
Classification: Likely benign. Last evaluated: 2018-06-13. Review status: criteria provided, single submitter. Criteria: GeneDx Variant Classification (06012015). Collection method: clinical testing. Allele origin: germline. Affected: yes.
Comment: This variant is considered likely benign or benign based on one or more of the following criteria: it is a conservative change, it occurs at a poorly conserved position in the protein, it is predicted to be benign by multiple in silico algorithms, and/or has population frequency not consistent with disease.